The following is an entry in ClinVar:

ClinVar aggregate classification (germline): Benign (0 of 4 stars; one submission).

Conditions:
MARCHF10-related disorder. Also called: MARCHF10-related condition.

Allele frequency attached by ClinVar (database versions not stated): gnomAD exomes 0.00270; ExAC 0.00723; gnomAD 0.02141; ESP Exome Variant Server 0.02307; 1000 Genomes Project 0.02436; TOPMed 0.02489; 1000 Genomes Project 30x 0.02514.
gnomAD v4.1: 7,419 of 1,613,956 alleles (0.46%); highest among the groups gnomAD compares: African/African-American, 7.4%; 244 homozygotes.

Submission:

PreventionGenetics, part of Exact Sciences
Classification: Benign for MARCHF10-related condition. Last evaluated: 2019-02-22. Review status: no assertion criteria provided. Collection method: clinical testing. Allele origin: germline.
Comment: This variant is classified as benign based on ACMG/AMP sequence variant interpretation guidelines (Richards et al. 2015 PMID: 25741868, with internal and published modifications).

NM_152598.4(MARCHF10):c.241C>T (p.Pro81Ser)

Gene: MARCHF10 (membrane associated ring-CH-type finger 10; minus strand). Cytogenetic location: 17q23.2.
Variant type: single nucleotide variant.
Coding change: c.241C>T on transcript NM_152598.4 (MANE Select); coding-DNA position 241, C replaced by T.
Protein change: p.Pro81Ser; replaces proline 81 with serine.
Molecular consequence: missense variant.
Genome position (GRCh38, 1-based): chr17:62,759,976, G>A on the plus strand (C>T on the coding strand, the complement: MARCHF10 is on the minus strand). VCF-style: chr17-62759976-G-A. GRCh37 (hg19) VCF-style: chr17-60837337-G-A.
Other names: c.241C>T, p.Pro81Ser (NM_001100875.3, NM_001288779.2, NM_001288780.2); short protein forms P81S.
Identifiers: ClinVar variation 3044470 (VCV003044470.2), dbSNP rs78457484, ClinGen allele CA8697099.